The following is an entry in ClinVar:

ClinVar aggregate classification (germline): Pathogenic (1 of 4 stars; one submission).

Conditions:
Epidermolysis bullosa simplex 3, localized or generalized intermediate, with BP230 deficiency (EBS3). Also called: Epidermolysis bullosa simplex, autosomal recessive 2; Epidermolysis bullosa simplex due to BP230 deficiency. Identifiers: Orphanet 412181, MedGen C3809470, MONDO:0014180, OMIM 615425.
Hereditary sensory and autonomic neuropathy type 6. Also called: HSAN VI; Neuropathy, hereditary sensory and autonomic, type VI. Identifiers: Orphanet 314381, MedGen C3539003, MONDO:0013839, OMIM 614653.

Submission:

Labcorp Genetics (formerly Invitae), Labcorp
Classification: Pathogenic for Epidermolysis bullosa simplex 3, localized or generalized intermediate, with BP230 deficiency; Hereditary sensory and autonomic neuropathy type 6. Last evaluated: 2022-07-13. Review status: criteria provided, single submitter. Criteria: Invitae Variant Classification Sherloc (09022015). Collection method: clinical testing. Allele origin: germline.
Comment: This variant has not been reported in the literature in individuals affected with DST-related conditions. This variant is not present in population databases (gnomAD no frequency). This sequence change creates a premature translational stop signal (p.Trp4925*) in the DST gene. It is expected to result in an absent or disrupted protein product. Loss-of-function variants in DST are known to be pathogenic (PMID: 22522446, 25059916, 30371979). The DST gene has multiple clinically relevant transcripts. This variant occurs in alternate transcript NM_015548.4, and corresponds to NM_001723.5:c.*149395G>A in the primary transcript. For these reasons, this variant has been classified as Pathogenic.

Literature cited by the submitters: PubMed 22522446; PubMed 25059916; PubMed 30371979.

NM_001374736.1(DST):c.22643G>A (p.Trp7548Ter)

Gene: DST (dystonin; minus strand). Cytogenetic location: 6p12.1.
Variant type: single nucleotide variant.
Coding change: c.22643G>A on transcript NM_001374736.1 (MANE Select); coding-DNA position 22643, G replaced by A.
Protein change: p.Trp7548Ter; replaces tryptophan 7548 with a stop codon.
Molecular consequence: nonsense.
Genome position (GRCh38, 1-based): chr6:56,466,122, C>T on the plus strand (G>A on the coding strand, the complement: DST is on the minus strand). VCF-style: chr6-56466122-C-T. GRCh37 (hg19) VCF-style: chr6-56330920-C-T.
Other names: c.16286G>A, p.Trp5429Ter (NM_001144769.5); c.15872G>A, p.Trp5291Ter (NM_001144770.2); c.22643G>A, p.Trp7548Ter (NM_001374722.1); c.21683G>A, p.Trp7228Ter (NM_001374729.1); c.15425G>A, p.Trp5142Ter (NM_001374730.1); c.22670G>A, p.Trp7557Ter (NM_001374734.1); c.15734G>A, p.Trp5245Ter (NM_001386100.1); c.14774G>A, p.Trp4925Ter (NM_015548.5); and 1 more; short protein forms W5245*, W5429*, W5291*, W7228*, W7548*, W4925*, W5142*, W5251*.
Identifiers: ClinVar variation 2016788 (VCV002016788.4), dbSNP rs2533348363, ClinGen allele CA364505405.